The following is an entry in ClinVar:

NM_198253.3(TERT):c.1118C>G (p.Pro373Arg)

Gene: TERT (telomerase reverse transcriptase; minus strand). Cytogenetic location: 5p15.33.
Variant type: single nucleotide variant.
Coding change: c.1118C>G on transcript NM_198253.3 (MANE Select); coding-DNA position 1118, C replaced by G.
Protein change: p.Pro373Arg; replaces proline 373 with arginine.
Molecular consequence: missense variant. On other transcripts: non-coding transcript variant (2).
Genome position (GRCh38, 1-based): chr5:1,293,768, G>C on the plus strand (C>G on the coding strand, the complement: TERT is on the minus strand). VCF-style: chr5-1293768-G-C. GRCh37 (hg19) VCF-style: chr5-1293883-G-C.
Other names: c.1118C>G, p.Pro373Arg (NM_001193376.3, NM_003219.1); short protein forms P373R.
Identifiers: ClinVar variation 1720648 (VCV001720648.6), dbSNP rs1345893044, ClinGen allele CA359055466.
Genomic context (GRCh38, chr5:1,293,768, plus strand): 5'-AACAGGGGCCGCATTTGCCAGTAGCGCTGGGGCAGGCGGGGCAACCTGCGGGGAGTCCCT[G>C]GCATCCAGGGCCTGGAACCCAGAAAGATGGTCTCCACGAGCCTCCGAGCGCCAGTCAGGC-3'
Protein context (NP_937983.2, residues 363-383): TIFLGSRPWM[Pro373Arg]GTPRRLPRLP

ClinVar aggregate classification (germline): Uncertain significance (1 of 4 stars; one submission).

Conditions:
Dyskeratosis congenita, autosomal dominant 2. Identifiers: MedGen C3151443, MONDO:0013521, OMIM 613989.
Idiopathic Pulmonary Fibrosis. Also called: Idiopathic fibrosing alveolitis, chronic form; idiopathic fibrosing alveolitis. Identifiers: Orphanet 2032, MedGen C1800706, MeSH D054990, MONDO:0800504.

Submission:

Labcorp Genetics (formerly Invitae), Labcorp
Classification: Uncertain significance for Dyskeratosis congenita, autosomal dominant 2; Idiopathic Pulmonary Fibrosis. Last evaluated: 2022-09-29. Review status: criteria provided, single submitter. Criteria: Invitae Variant Classification Sherloc (09022015). Collection method: clinical testing. Allele origin: germline.
Comment: This sequence change replaces proline, which is neutral and non-polar, with arginine, which is basic and polar, at codon 373 of the TERT protein (p.Pro373Arg). In summary, the available evidence is currently insufficient to determine the role of this variant in disease. Therefore, it has been classified as a Variant of Uncertain Significance. Algorithms developed to predict the effect of missense changes on protein structure and function output the following: SIFT: "Tolerated"; PolyPhen-2: "Benign"; Align-GVGD: "Class C0". The arginine amino acid residue is found in multiple mammalian species, which suggests that this missense change does not adversely affect protein function. This variant has not been reported in the literature in individuals affected with TERT-related conditions. This variant is not present in population databases (gnomAD no frequency).